The following is an entry in ClinVar:

ClinVar aggregate classification (germline): Pathogenic (1 of 4 stars; one submission).

Conditions:
Focal segmental glomerulosclerosis 7 (FSGS7). Identifiers: Orphanet 656, MedGen C4014925, MONDO:0014451, OMIM 616002.
Renal coloboma syndrome (PAPRS). Also called: COLOBOMA OF OPTIC NERVE WITH RENAL DISEASE; OPTIC COLOBOMA, VESICOURETERAL REFLUX, AND RENAL ANOMALIES; OPTIC NERVE COLOBOMA WITH RENAL DISEASE; RENAL-COLOBOMA SYNDROME WITH MACULAR ABNORMALITIES; PAPILLORENAL SYNDROME WITH MILD OCULAR ABNORMALITIES; PAPILLORENAL SYNDROME. Identifiers: Orphanet 1475, MedGen C1852759, MONDO:0007352, OMIM 120330.

Allele frequency attached by ClinVar (database versions not stated): gnomAD exomes below 0.00001.
gnomAD v4.1: 1 of 1,596,006 alleles (0.000063%); highest among the groups gnomAD compares: South Asian, 0.0011%; no homozygotes.

Submission:

Labcorp Genetics (formerly Invitae), Labcorp
Classification: Pathogenic for Renal coloboma syndrome; Focal segmental glomerulosclerosis 7. Last evaluated: 2020-06-02. Review status: criteria provided, single submitter. Criteria: Invitae Variant Classification Sherloc (09022015). Collection method: clinical testing. Allele origin: germline.
Comment: For these reasons, this variant has been classified as Pathogenic. Loss-of-function variants in PAX2 are known to be pathogenic (PMID: 11461952, 24676634). This variant has not been reported in the literature in individuals with PAX2-related conditions. This variant is not present in population databases (ExAC no frequency). This sequence change creates a premature translational stop signal (p.Gln144*) in the PAX2 gene. It is expected to result in an absent or disrupted protein product.

Literature cited by the submitters: PubMed 11461952; PubMed 24676634.

NM_000278.5(PAX2):c.430C>T (p.Gln144Ter)

Gene: PAX2 (paired box 2; plus strand). Cytogenetic location: 10q24.31.
Variant type: single nucleotide variant.
Coding change: c.430C>T on transcript NM_000278.5 (MANE Select); coding-DNA position 430, C replaced by T.
Protein change: p.Gln144Ter; replaces glutamine 144 with a stop codon.
Molecular consequence: nonsense.
Genome position (GRCh38, 1-based): chr10:100,779,517, C>T. VCF-style: chr10-100779517-C-T. GRCh37 (hg19) VCF-style: chr10-102539274-C-T.
Other names: c.523C>T, p.Gln175Ter (NM_001304569.2); c.430C>T, p.Gln144Ter (NM_003987.5, NM_003988.5, NM_003989.5 and 1 more transcripts); short protein forms Q144*, Q175*.
Identifiers: ClinVar variation 1076561 (VCV001076561.7), dbSNP rs2133894054, ClinGen allele CA378258278.